The following is an entry in ClinVar:

NM_173354.5(SIK1):c.331A>G (p.Met111Val)

Gene: SIK1 (salt inducible kinase 1; minus strand). Cytogenetic location: 21q22.3.
Variant type: single nucleotide variant.
Coding change: c.331A>G on transcript NM_173354.5 (MANE Select); coding-DNA position 331, A replaced by G.
Protein change: p.Met111Val; replaces methionine 111 with valine.
Molecular consequence: missense variant.
Genome position (GRCh38, 1-based): chr21:43,421,980, T>C on the plus strand (A>G on the coding strand, the complement: SIK1 is on the minus strand). VCF-style: chr21-43421980-T-C. GRCh37 (hg19) VCF-style: chr21-44841860-T-C.
Other names: short protein forms M111V.
Identifiers: ClinVar variation 941183 (VCV000941183.11), dbSNP rs374251012, ClinGen allele CA321328431.

ClinVar aggregate classification (germline): Uncertain significance. Review status: criteria provided, multiple submitters, no conflicts (2 of 4 stars). 2 submissions from 2 submitters: Uncertain significance (2). Last evaluated 2023-11-19.

Conditions:
Inborn genetic diseases. Identifiers: MedGen C0950123, MeSH D030342.
Developmental and epileptic encephalopathy, 30 (DEE30). Also called: Epileptic encephalopathy, early infantile, 30. Identifiers: MedGen C4225360, MONDO:0014595, OMIM 616341.

Allele frequency attached by ClinVar (database versions not stated): gnomAD exomes below 0.00001; ExAC 0.00001; ESP Exome Variant Server 0.00008.

Submissions (2):

Labcorp Genetics (formerly Invitae), Labcorp
Classification: Uncertain significance for Developmental and epileptic encephalopathy, 30. Last evaluated: 2023-11-19. Review status: criteria provided, single submitter. Criteria: Invitae Variant Classification Sherloc (09022015). Collection method: clinical testing. Allele origin: germline.
Comment: This sequence change replaces methionine, which is neutral and non-polar, with valine, which is neutral and non-polar, at codon 111 of the SIK1 protein (p.Met111Val). This variant is present in population databases (rs374251012, gnomAD 0.004%). This variant has not been reported in the literature in individuals affected with SIK1-related conditions. ClinVar contains an entry for this variant (Variation ID: 941183). An algorithm developed to predict the effect of missense changes on protein structure and function (PolyPhen-2) suggests that this variant is likely to be disruptive. In summary, the available evidence is currently insufficient to determine the role of this variant in disease. Therefore, it has been classified as a Variant of Uncertain Significance.

Ambry Genetics
Classification: Uncertain significance for Inborn genetic diseases. Last evaluated: 2022-06-28. Review status: criteria provided, single submitter. Criteria: Ambry Variant Classification Scheme 2023. Collection method: clinical testing. Allele origin: germline.